The following is an entry in ClinVar:

ClinVar aggregate classification (germline): Uncertain significance (1 of 4 stars; one submission).

Conditions:
Autosomal dominant hypocalcemia 1 (HYPOC1). Also called: HYPOCALCEMIA, FAMILIAL. Identifiers: MedGen C3715128, MONDO:0011013, OMIM 601198.
Familial hypocalciuric hypercalcemia (FHH). Also called: Familial benign hypercalcemia. Identifiers: Orphanet 405, MedGen C1809471, MONDO:0018458.

Submission:

Labcorp Genetics (formerly Invitae), Labcorp
Classification: Uncertain significance for Familial hypocalciuric hypercalcemia; Autosomal dominant hypocalcemia 1. Last evaluated: 2018-09-04. Review status: criteria provided, single submitter. Criteria: Invitae Variant Classification Sherloc (09022015). Collection method: clinical testing. Allele origin: germline.
Comment: In summary, the available evidence is currently insufficient to determine the role of this variant in disease. Therefore, it has been classified as a Variant of Uncertain Significance. This sequence change replaces isoleucine with methionine at codon 120 of the CASR protein (p.Ile120Met). The isoleucine residue is highly conserved and there is a small physicochemical difference between isoleucine and methionine. This variant is not present in population databases (ExAC no frequency). This variant has not been reported in the literature in individuals with CASR-related disease. Algorithms developed to predict the effect of missense changes on protein structure and function are either unavailable or do not agree on the potential impact of this missense change (SIFT: "Deleterious"; PolyPhen-2: "Possibly Damaging"; Align-GVGD: "Class C0").

NM_000388.4(CASR):c.360T>G (p.Ile120Met)

Gene: CASR (calcium sensing receptor; plus strand). Cytogenetic location: 3q21.1.
Variant type: single nucleotide variant.
Coding change: c.360T>G on transcript NM_000388.4 (MANE Select); coding-DNA position 360, T replaced by G.
Protein change: p.Ile120Met; replaces isoleucine 120 with methionine.
Molecular consequence: missense variant.
Genome position (GRCh38, 1-based): chr3:122,257,255, T>G. VCF-style: chr3-122257255-T-G. GRCh37 (hg19) VCF-style: chr3-121976102-T-G.
Other names: c.360T>G, p.Ile120Met (NM_001178065.2); short protein forms I120M.
Identifiers: ClinVar variation 652364 (VCV000652364.9), dbSNP rs1576854465, ClinGen allele CA354362730.
Genomic context (GRCh38, chr3:122,257,255, plus strand): 5'-TTGCAACACCGTTTCTAAGGCCTTGGAAGCCACCCTGAGTTTTGTTGCTCAAAACAAAAT[T>G]GATTCTTTGAACCTTGATGAGTTCTGCAACTGCTCAGAGCACATTCCCTCTACGATTGCT-3'
Protein context (NP_000379.3, residues 110-130): ATLSFVAQNK[Ile120Met]DSLNLDEFCN